The following is an entry in ClinVar:

NM_001105206.3(LAMA4):c.2467G>T (p.Ala823Ser)

Gene: LAMA4 (laminin subunit alpha 4; minus strand). Cytogenetic location: 6q21.
Variant type: single nucleotide variant.
Coding change: c.2467G>T on transcript NM_001105206.3 (MANE Select); coding-DNA position 2467, G replaced by T.
Protein change: p.Ala823Ser; replaces alanine 823 with serine.
Molecular consequence: missense variant.
Genome position (GRCh38, 1-based): chr6:112,144,820, C>A on the plus strand (G>T on the coding strand, the complement: LAMA4 is on the minus strand). VCF-style: chr6-112144820-C-A. GRCh37 (hg19) VCF-style: chr6-112466022-C-A.
Other names: c.2446G>T, p.Ala816Ser (NM_001105207.3, NM_002290.5); short protein forms A823S, A816S.
Identifiers: ClinVar variation 4045927 (VCV004045927.1).

ClinVar aggregate classification (germline): Uncertain significance (1 of 4 stars; one submission).

Conditions:
Cardiovascular phenotype. Identifiers: MedGen CN230736.

Submission:

Ambry Genetics
Classification: Uncertain significance for Cardiovascular phenotype. Last evaluated: 2025-03-23. Review status: criteria provided, single submitter. Criteria: Ambry Variant Classification Scheme 2023. Collection method: clinical testing. Allele origin: germline.
Comment: The p.A816S variant (also known as c.2446G>T), located in coding exon 18 of the LAMA4 gene, results from a G to T substitution at nucleotide position 2446. The alanine at codon 816 is replaced by serine, an amino acid with similar properties. This amino acid position is conserved. In addition, this alteration is predicted to be tolerated by in silico analysis. Based on the available evidence, the clinical significance of this variant remains unclear.